The following is an entry in ClinVar:

ClinVar aggregate classification (germline): Pathogenic (1 of 4 stars; one submission).

Conditions:
Hereditary cancer-predisposing syndrome. Also called: Hereditary Cancer Syndrome; Hereditary neoplastic syndrome; Neoplastic Syndromes, Hereditary; Tumor predisposition. Identifiers: Orphanet 140162, MedGen C0027672, MeSH D009386, MONDO:0015356.

Submission:

Ambry Genetics
Classification: Pathogenic for Hereditary cancer-predisposing syndrome. Last evaluated: 2019-02-22. Review status: criteria provided, single submitter. Criteria: Ambry Variant Classification Scheme 2023. Collection method: clinical testing. Allele origin: germline.
Comment: The c.453_454delGT pathogenic mutation, located in coding exon 4 of the RB1 gene, results from a deletion of two nucleotides at nucleotide positions 453 to 454, causing a translational frameshift with a predicted alternate stop codon (p.L152Efs*4). This alteration is expected to result in loss of function by premature protein truncation or nonsense-mediated mRNA decay. As such, this alteration is interpreted as a disease-causing mutation.

NM_000321.3(RB1):c.453_454del (p.Leu152fs)

Gene: RB1 (RB transcriptional corepressor 1; plus strand). Cytogenetic location: 13q14.2.
Variant type: Deletion.
Coding change: c.453_454del on transcript NM_000321.3 (MANE Select); coding-DNA positions 453 to 454, 2 bases deleted (GT; older notation c.453_454delGT).
Protein change: p.Leu152fs; shifts the reading frame from leucine 152.
Molecular consequence: frameshift variant.
Genome position (GRCh38, 1-based): chr13:48,345,152-48,345,153, GT deleted; deleting any 2 consecutive bases within chr13:48,345,151-48,345,153 gives the same sequence; the c. name uses the placement nearest the transcript's 3' end. VCF-style (leftmost placement, unchanged base first): chr13-48345150-CTG-C. GRCh37 (hg19) VCF-style: chr13-48919286-CTG-C.
Other names: c.453_454delGT, p.Leu152Glufs (NM_001407165.1, NM_001407166.1); short protein forms L152fs.
Identifiers: ClinVar variation 1741275 (VCV001741275.2), dbSNP rs2542159429, ClinGen allele CA2580088097.